The following is an entry in ClinVar:

ClinVar aggregate classification (germline): Pathogenic/Likely pathogenic. Review status: criteria provided, multiple submitters, no conflicts (2 of 4 stars). 7 submissions from 7 submitters: Pathogenic (5); Likely pathogenic (1). 1 of the submissions does not count toward it. Last evaluated 2026-06-08.

Conditions:
Cardiomyopathy, familial hypertrophic, 31. Identifiers: MedGen C6012754, MONDO:0979573, OMIM 621270.
TRIM63-related disorder. Also called: TRIM63-related condition.
Inborn genetic diseases. Identifiers: MedGen C0950123, MeSH D030342.
Hypertrophic cardiomyopathy. Also called: HYPERTROPHIC MYOCARDIOPATHY. Identifiers: Orphanet 217569, MedGen C0007194, MeSH D002312, MONDO:0005045, HP:0001639.

Submissions (7):

PreventionGenetics, part of Exact Sciences
Classification: Pathogenic for TRIM63-related condition. Last evaluated: 2026-06-08. Review status: criteria provided, single submitter. Criteria: ACMG Guidelines, 2015. Collection method: clinical testing. Allele origin: germline.
Comment: The TRIM63 c.481_482delAG variant is predicted to result in a frameshift and premature protein termination (p.Ser161Cysfs*8). This variant has been reported in the homozygous and presumably compound heterozygous states in individuals with hypertrophic cardiomyopathy (families H77085 and H4094 in Table S2, Salazar-Mendiguchía et al. 2020. PubMed ID: 32451364; Andreeva et al. 2022. PubMed ID: 35273634). This variant is reported in 0.012% of alleles in individuals of African descent in gnomAD. Frameshift variants in TRIM63 are expected to be pathogenic. This variant is interpreted as pathogenic.

Women's Health and Genetics/Laboratory Corporation of America, LabCorp
Classification: Pathogenic for Hypertrophic cardiomyopathy. Last evaluated: 2025-07-24. Review status: criteria provided, single submitter. Criteria: LabCorp Variant Classification Summary - May 2015. Collection method: clinical testing. Allele origin: germline.
Comment: Variant summary: TRIM63 c.481_482delAG (p.Ser161CysfsX8) results in a premature termination codon, predicted to cause a truncation of the encoded protein or absence of the protein due to nonsense mediated decay, which are commonly known mechanisms for disease. The variant allele was found at a frequency of 4e-05 in 251018 control chromosomes (gnomAD). This frequency is not significantly higher than estimated for a pathogenic variant in TRIM63 causing Hypertrophic Cardiomyopathy, Autosomal Recessive (4e-05 vs 0.0032), allowing no conclusion about variant significance. c.481_482delAG has been observed in individuals affected with Hypertrophic Cardiomyopathy (Salazar-Mendigucha_2020). These data indicate that the variant is likely to be associated with disease. To our knowledge, no experimental evidence demonstrating an impact on protein function has been reported. The following publication have been ascertained in the context of this evaluation (PMID: 32451364). ClinVar contains an entry for this variant (Variation ID: 985254). Based on the evidence outlined above, the variant was classified as pathogenic.

Ambry Genetics
Classification: Pathogenic for Inborn genetic diseases. Last evaluated: 2024-03-14. Review status: criteria provided, single submitter. Criteria: Ambry Variant Classification Scheme 2023. Collection method: clinical testing. Allele origin: germline.
Comment: The c.481_482delAG (p.S161Cfs*8) alteration, located in coding exon 3 of the TRIM63 gene, consists of a deletion of 2 nucleotides from position 481 to 482, causing a translational frameshift with a predicted alternate stop codon after 8 amino acids. This alteration is expected to result in loss of function by premature protein truncation or nonsense-mediated mRNA decay. Based on data from gnomAD, the c.481_482delAG allele has an overall frequency of 0.004% (12/282386) total alleles studied. The highest observed frequency was 0.012% (3/24952) of African alleles. This variant has been identified in the homozygous state and compound heterozygous with another TRIM63 variant in multiple individuals with features consistent with TRIM63-related hypertrophic cardiomyopathy (Salazar-Mendiguch&iacute;a, 2020; Andreeva, 2022; Ambry internal data). Based on the available evidence, this alteration is classified as pathogenic.

Centre of Medical Genetics, University Hospital Muenster
Classification: Pathogenic. Last evaluated: 2022-06-08. Review status: criteria provided, single submitter. Criteria: ACMG Guidelines, 2015. Collection method: clinical testing. Allele origin: unknown. Affected: yes. Observed: 1 variant allele, 1 homozygote.
Comment: ACMG categories: PVS1,PS1,PP5

Institute Of Molecular Biology And Genetics, Federal Almazov National Medical Research Centre
Classification: Pathogenic for Hypertrophic cardiomyopathy. Last evaluated: 2021-07-07. Review status: criteria provided, single submitter. Criteria: ACMG Guidelines, 2015. Collection method: clinical testing. Allele origin: germline. Affected: yes. Observed: 1 variant allele.
Comment: ACMG: PP3, PP5

Clinical Genetics Service, Universitary Hospital 12 de Octubre
Classification: Likely pathogenic for Cardiomyopathy, familial hypertrophic, 31. Review status: criteria provided, single submitter. Criteria: ACMG Guidelines, 2015. Collection method: clinical testing. Allele origin: germline. Affected: yes.

OMIM
Classification: Pathogenic for CARDIOMYOPATHY, FAMILIAL HYPERTROPHIC, 31. Last evaluated: 2025-07-18. Review status: no assertion criteria provided. Collection method: literature only. Allele origin: germline. Not counted in ClinVar's aggregate classification.

Literature cited by the submitters: PubMed 32451364 (cited by 3 submitters); PubMed 22068435 (cited by Ambry Genetics and Institute Of Molecular Biology And Genetics, Federal Almazov National Medical Research Centre); PubMed 35273634 (cited by Ambry Genetics).

NM_032588.4(TRIM63):c.481_482del (p.Ser161fs)

Gene: TRIM63 (tripartite motif containing 63; minus strand). Cytogenetic location: 1p36.11.
Variant type: Microsatellite.
Coding change: c.481_482del on transcript NM_032588.4 (MANE Select); coding-DNA positions 481 to 482, 2 bases deleted (AG; older notation c.481_482delAG).
Protein change: p.Ser161fs; shifts the reading frame from serine 161.
Molecular consequence: frameshift variant.
Genome position (GRCh38, 1-based): chr1:26,061,185-26,061,186, CT deleted on the plus strand (AG on the coding strand, the reverse complement: TRIM63 is on the minus strand); deleting any 2 consecutive bases within chr1:26,061,185-26,061,188 gives the same sequence; the c. name uses the placement nearest the transcript's 3' end. VCF-style (leftmost placement, unchanged base first): chr1-26061184-ACT-A. GRCh37 (hg19) VCF-style: chr1-26387675-ACT-A.
Other names: c.481_482delAG (NM_032588.4); short protein forms S161fs.
Identifiers: ClinVar variation 985254 (VCV000985254.10), dbSNP rs540072010, ClinGen allele CA699661.